The following is an entry in ClinVar:

NM_181078.3(IL21R):c.1032C>T (p.Asp344=)

Genes: IL21R (interleukin 21 receptor; plus strand), IL21R-AS1 (IL21R antisense RNA 1; minus strand), LOC130058712 (ATAC-STARR-seq lymphoblastoid active region 10626; plus strand). Cytogenetic location: 16p12.1.
Variant type: single nucleotide variant.
Coding change: c.1032C>T on transcript NM_181078.3 (MANE Select); coding-DNA position 1032, C replaced by T.
Protein change: p.Asp344=; no amino-acid change (aspartic acid 344 retained).
Molecular consequence: synonymous variant. On other transcripts: non-coding transcript variant (1).
Genome position (GRCh38, 1-based): chr16:27,448,698, C>T. VCF-style: chr16-27448698-C-T. GRCh37 (hg19) VCF-style: chr16-27460019-C-T.
Other names: p.Asp344=; c.1032C>T, p.Asp344= (NM_021798.4); c.1098C>T, p.Asp366= (NM_181079.5).
Identifiers: ClinVar variation 473941 (VCV000473941.15), dbSNP rs113148369, ClinGen allele CA7975134.

ClinVar aggregate classification (germline): Benign/Likely benign. Review status: criteria provided, multiple submitters, no conflicts (2 of 4 stars). 4 submissions from 4 submitters: Benign (2); Likely benign (2). Last evaluated 2026-02-02.

Conditions:
Cryptosporidiosis-chronic cholangitis-liver disease syndrome. Also called: Immunodeficiency type 56; IL21R immunodeficiency. Identifiers: Orphanet 357329, MedGen C3554687, MONDO:0014082, OMIM 615207.

Allele frequency attached by ClinVar (database versions not stated): gnomAD 0.00167 and 0.00179; TOPMed 0.00217; ESP Exome Variant Server 0.00239; gnomAD exomes 0.00019 and 0.00048; ExAC 0.00062; 1000 Genomes Project 0.00080; 1000 Genomes Project 30x 0.00109.
gnomAD v4.1: 567 of 1,613,252 alleles (0.035%); highest among the groups gnomAD compares: African/African-American, 0.55%; 2 homozygotes.

Submissions (4):

Labcorp Genetics (formerly Invitae), Labcorp
Classification: Benign for Cryptosporidiosis-chronic cholangitis-liver disease syndrome. Last evaluated: 2026-02-02. Review status: criteria provided, single submitter. Criteria: Invitae Variant Classification Sherloc (09022015). Collection method: clinical testing. Allele origin: germline.

Mayo Clinic Laboratories, Mayo Clinic
Classification: Likely benign. Last evaluated: 2025-10-06. Review status: criteria provided, single submitter. Criteria: ACMG Guidelines, 2015. Collection method: clinical testing. Allele origin: germline. Observed: 1 variant allele.
Comment: BS1, BP4, BP7

Blueprint Genetics
Classification: Likely benign. Last evaluated: 2024-11-26. Review status: criteria provided, single submitter. Criteria: ACMG Guidelines, 2015. Collection method: clinical testing. Allele origin: germline.

Breakthrough Genomics
Classification: Benign. Review status: criteria provided, single submitter. Criteria: ACMG Guidelines, 2015. Collection method: not provided. Allele origin: germline. Inheritance: Autosomal recessive inheritance. Affected: yes.